The following is an entry in ClinVar:

NM_004082.5(DCTN1):c.3502G>A (p.Val1168Ile)

Gene: DCTN1 (dynactin subunit 1; minus strand). Cytogenetic location: 2p13.1.
Variant type: single nucleotide variant.
Coding change: c.3502G>A on transcript NM_004082.5 (MANE Select); coding-DNA position 3502, G replaced by A.
Protein change: p.Val1168Ile; replaces valine 1168 with isoleucine.
Molecular consequence: missense variant. On other transcripts: non-coding transcript variant (1).
Genome position (GRCh38, 1-based): chr2:74,363,021, C>T on the plus strand (G>A on the coding strand, the complement: DCTN1 is on the minus strand). VCF-style: chr2-74363021-C-T. GRCh37 (hg19) VCF-style: chr2-74590148-C-T.
Other names: c.3427G>A, p.Val1143Ile (NM_001135040.3); c.3085G>A, p.Val1029Ile (NM_001135041.3); c.3376G>A, p.Val1126Ile (NM_001190836.2); c.3481G>A, p.Val1161Ile (NM_001190837.2); c.3451G>A, p.Val1151Ile (NM_001378991.1); c.3433G>A, p.Val1145Ile (NM_001378992.1); c.3100G>A, p.Val1034Ile (NM_023019.4); short protein forms V1143I, V1161I, V1168I, V1029I, V1126I, V1145I, V1034I, V1151I.
Identifiers: ClinVar variation 944781 (VCV000944781.10), dbSNP rs373550911, ClinGen allele CA1721476.

ClinVar aggregate classification (germline): Uncertain significance (1 of 4 stars; one submission).

Conditions:
Neuronopathy, distal hereditary motor, type 7B. Also called: Distal Hereditary Motor Neuronopathy Type 7B (dHMN7B); HMN VIIB; NEURONOPATHY, DISTAL HEREDITARY MOTOR, AUTOSOMAL DOMINANT 14; NEURONOPATHY, DISTAL HEREDITARY MOTOR, HARDING TYPE VIIB; NEUROPATHY, DISTAL HEREDITARY MOTOR, HARDING TYPE VIIB; NEUROPATHY, DISTAL HEREDITARY MOTOR, WITH VOCAL CORD PARALYSIS, HARDING TYPE VIIB. Identifiers: Orphanet 139589, MedGen C1843315, MONDO:0011879, OMIM 607641.
Amyotrophic lateral sclerosis type 1 (ALS1). Also called: AMYOTROPHIC LATERAL SCLEROSIS 1, FAMILIAL. Identifiers: Orphanet 803, MedGen C1862939, MONDO:0007103, OMIM 105400.
Perry syndrome. Also called: PARKINSONISM WITH ALVEOLAR HYPOVENTILATION AND MENTAL DEPRESSION. Identifiers: Orphanet 178509, MedGen C1868594, MONDO:0008201, OMIM 168605.

Allele frequency attached by ClinVar (database versions not stated): gnomAD 0.00001; gnomAD exomes 0.00001 and 0.00002; TOPMed 0.00001; ExAC 0.00003; ESP Exome Variant Server 0.00008.
gnomAD v4.1: 14 of 1,613,498 alleles (0.00087%); highest among the groups gnomAD compares: East Asian, 0.0045%; no homozygotes.

Submission:

Labcorp Genetics (formerly Invitae), Labcorp
Classification: Uncertain significance for Amyotrophic lateral sclerosis type 1; Neuronopathy, distal hereditary motor, type 7B; Perry syndrome. Last evaluated: 2025-12-28. Review status: criteria provided, single submitter. Criteria: Invitae Variant Classification Sherloc (09022015). Collection method: clinical testing. Allele origin: germline.
Comment: This sequence change replaces valine, which is neutral and non-polar, with isoleucine, which is neutral and non-polar, at codon 1168 of the DCTN1 protein (p.Val1168Ile). This variant is present in population databases (rs373550911, gnomAD 0.01%). This variant has not been reported in the literature in individuals affected with DCTN1-related conditions. ClinVar contains an entry for this variant (Variation ID: 944781). Invitae Evidence Modeling of protein sequence and biophysical properties (such as structural, functional, and spatial information, amino acid conservation, physicochemical variation, residue mobility, and thermodynamic stability) indicates that this missense variant is not expected to disrupt DCTN1 protein function with a negative predictive value of 95%. In summary, the available evidence is currently insufficient to determine the role of this variant in disease. Therefore, it has been classified as a Variant of Uncertain Significance.